The following is an entry in ClinVar:

NM_006947.4(SRP72):c.793G>T (p.Val265Leu)

Gene: SRP72 (signal recognition particle 72; plus strand). Cytogenetic location: 4q12.
Variant type: single nucleotide variant.
Coding change: c.793G>T on transcript NM_006947.4 (MANE Select); coding-DNA position 793, G replaced by T.
Protein change: p.Val265Leu; replaces valine 265 with leucine.
Molecular consequence: missense variant. On other transcripts: non-coding transcript variant (1), intron variant (1).
Genome position (GRCh38, 1-based): chr4:56,478,617, G>T. VCF-style: chr4-56478617-G-T. GRCh37 (hg19) VCF-style: chr4-57344783-G-T.
Other names: c.642+1915G>T (NM_001267722.2); short protein forms V265L.
Identifiers: ClinVar variation 4174937 (VCV004174937.1).

ClinVar aggregate classification (germline): Uncertain significance (1 of 4 stars; one submission).

Submission:

Ambry Genetics
Classification: Uncertain significance. Last evaluated: 2025-07-18. Review status: criteria provided, single submitter. Criteria: Ambry Variant Classification Scheme 2023. Collection method: clinical testing. Allele origin: germline.
Comment: The p.V265L variant (also known as c.793G>T), located in coding exon 8 of the SRP72 gene, results from a G to T substitution at nucleotide position 793. The valine at codon 265 is replaced by leucine, an amino acid with highly similar properties. This amino acid position is conserved. In addition, the in silico prediction for this alteration is inconclusive. Based on the available evidence, the clinical significance of this variant remains unclear.